The following is an entry in ClinVar:

NM_001330078.2(NRXN1):c.1783C>T (p.Arg595Cys)

Gene: NRXN1 (neurexin 1; minus strand). Cytogenetic location: 2p16.3.
Variant type: single nucleotide variant.
Coding change: c.1783C>T on transcript NM_001330078.2 (MANE Select); coding-DNA position 1783, C replaced by T.
Protein change: p.Arg595Cys; replaces arginine 595 with cysteine.
Molecular consequence: missense variant.
Genome position (GRCh38, 1-based): chr2:50,538,613, G>A on the plus strand (C>T on the coding strand, the complement: NRXN1 is on the minus strand). VCF-style: chr2-50538613-G-A. GRCh37 (hg19) VCF-style: chr2-50765751-G-A.
Other names: c.1759C>T, p.Arg587Cys (NM_001330082.2, NM_001330095.2, NM_001330077.2); c.1744C>T, p.Arg582Cys (NM_001330083.2, NM_001330084.2); c.1783C>T, p.Arg595Cys (NM_001330085.2, NM_001330086.2, NM_004801.6); c.1699C>T, p.Arg567Cys (NM_001330087.2, NM_001330096.2); c.1729C>T, p.Arg577Cys (NM_001330088.2); c.1780C>T, p.Arg594Cys (NM_001330093.2); c.1771C>T, p.Arg591Cys (NM_001330094.2); c.1903C>T, p.Arg635Cys (NM_001135659.3); short protein forms R587C, R595C, R567C, R577C, R582C, R591C, R635C, R594C.
Identifiers: ClinVar variation 846621 (VCV000846621.11), dbSNP rs1156747096, ClinGen allele CA346771432.

ClinVar aggregate classification (germline): Uncertain significance. Review status: criteria provided, multiple submitters, no conflicts (2 of 4 stars). 2 submissions from 2 submitters: Uncertain significance (2). Last evaluated 2021-06-06.

Conditions:
Chromosome 2p16.3 deletion syndrome. Identifiers: MedGen C3808494, MONDO:0013696, OMIM 614332.
Pitt-Hopkins-like syndrome 2 (PTHSL2). Identifiers: Orphanet 221150, Orphanet 600663, MedGen C3280479, MONDO:0013690, OMIM 614325.

Allele frequency attached by ClinVar (database versions not stated): gnomAD exomes below 0.00001.
gnomAD v4.1: 3 of 1,499,262 alleles (0.0002%); highest among the groups gnomAD compares: Non-Finnish European, 0.00027%; no homozygotes.

Submissions (2):

Labcorp Genetics (formerly Invitae), Labcorp
Classification: Uncertain significance for Pitt-Hopkins-like syndrome 2. Last evaluated: 2021-06-06. Review status: criteria provided, single submitter. Criteria: Invitae Variant Classification Sherloc (09022015). Collection method: clinical testing. Allele origin: germline.
Comment: This sequence change replaces arginine with cysteine at codon 635 of the NRXN1 protein (p.Arg635Cys). The arginine residue is highly conserved and there is a large physicochemical difference between arginine and cysteine. This variant is not present in population databases (ExAC no frequency). This variant has not been reported in the literature in individuals with NRXN1-related conditions. Algorithms developed to predict the effect of missense changes on protein structure and function (SIFT, PolyPhen-2, Align-GVGD) all suggest that this variant is likely to be disruptive, but these predictions have not been confirmed by published functional studies and their clinical significance is uncertain. In summary, the available evidence is currently insufficient to determine the role of this variant in disease. Therefore, it has been classified as a Variant of Uncertain Significance.

CENTOGENE GmbH and LLC - Guiding Precision Medicine
Classification: Uncertain significance for Chromosome 2p16.3 deletion syndrome. Last evaluated: 2019-05-13. Review status: criteria provided, single submitter. Criteria: ACMG Guidelines, 2015. Collection method: clinical testing. Allele origin: germline. Affected: yes.